The following is an entry in ClinVar:

NM_000132.4(F8):c.2114-6139C>T

Gene: F8 (coagulation factor VIII; minus strand). Cytogenetic location: Xq28.
Variant type: single nucleotide variant.
Coding change: c.2114-6139C>T on transcript NM_000132.4 (MANE Select); 6139 bases into the intron before coding-DNA position 2114, C replaced by T.
Molecular consequence: intron variant.
Genome position (GRCh38, 1-based): chrX:154,937,815, G>A on the plus strand (C>T on the coding strand, the complement: F8 is on the minus strand). VCF-style: chrX-154937815-G-A. GRCh37 (hg19) VCF-style: chrX-154166090-G-A.
Identifiers: ClinVar variation 3253472 (VCV003253472.1), dbSNP rs939424585.

ClinVar aggregate classification (germline): Uncertain significance (1 of 4 stars; one submission).

Allele frequency attached by ClinVar (database versions not stated): gnomAD 0.00016.
gnomAD v4.1: 17 of 111,494 alleles (0.015%); highest among the groups gnomAD compares: Non-Finnish European, 0.032%; no homozygotes.

Submission:

GeneDx
Classification: Uncertain significance. Last evaluated: 2023-05-18. Review status: criteria provided, single submitter. Criteria: GeneDx Variant Classification Process June 2021. Collection method: clinical testing. Allele origin: germline. Affected: yes.
Comment: Identified in a patient with hemophilia A who also had two other intronic variants in the F8 gene (Bach et al., 2015); In silico analysis supports that this variant does not alter splicing; This variant is associated with the following publications: (PMID: 25948085)